The following is an entry in ClinVar:

ClinVar aggregate classification (germline): Uncertain significance (1 of 4 stars; one submission).

Conditions:
Neuropathy, hereditary sensory and autonomic, type 1C. Also called: HSAN IC; HSN IC. Identifiers: Orphanet 36386, MedGen C3150896, MONDO:0013337, OMIM 613640.

Submission:

Labcorp Genetics (formerly Invitae), Labcorp
Classification: Uncertain significance for Neuropathy, hereditary sensory and autonomic, type 1C. Last evaluated: 2024-01-05. Review status: criteria provided, single submitter. Criteria: Invitae Variant Classification Sherloc (09022015). Collection method: clinical testing. Allele origin: germline.
Comment: This sequence change replaces histidine, which is basic and polar, with asparagine, which is neutral and polar, at codon 401 of the SPTLC2 protein (p.His401Asn). This variant is not present in population databases (gnomAD no frequency). This variant has not been reported in the literature in individuals affected with SPTLC2-related conditions. Advanced modeling of protein sequence and biophysical properties (such as structural, functional, and spatial information, amino acid conservation, physicochemical variation, residue mobility, and thermodynamic stability) performed at Invitae indicates that this missense variant is not expected to disrupt SPTLC2 protein function with a negative predictive value of 80%. In summary, the available evidence is currently insufficient to determine the role of this variant in disease. Therefore, it has been classified as a Variant of Uncertain Significance.

NM_004863.4(SPTLC2):c.1201C>A (p.His401Asn)

Gene: SPTLC2 (serine palmitoyltransferase long chain base subunit 2; minus strand). Cytogenetic location: 14q24.3.
Variant type: single nucleotide variant.
Coding change: c.1201C>A on transcript NM_004863.4 (MANE Select); coding-DNA position 1201, C replaced by A.
Protein change: p.His401Asn; replaces histidine 401 with asparagine.
Molecular consequence: missense variant.
Genome position (GRCh38, 1-based): chr14:77,552,198, G>T on the plus strand (C>A on the coding strand, the complement: SPTLC2 is on the minus strand). VCF-style: chr14-77552198-G-T. GRCh37 (hg19) VCF-style: chr14-78018541-G-T.
Other names: short protein forms H401N.
Identifiers: ClinVar variation 2707786 (VCV002707786.3), dbSNP rs2079559176, ClinGen allele CA390707349.